The following is an entry in ClinVar:

ClinVar aggregate classification (germline): Pathogenic (1 of 4 stars; one submission).

Submission:

ISCA site 4
Classification: Pathogenic. Last evaluated: 2011-08-12. Review status: criteria provided, single submitter. Criteria: Kaminsky et al. (Genet Med. 2011). Collection method: clinical testing. Allele origin: de novo. Affected: yes. Observed: 1 variant allele.
Comment: Copy number variation identified through the course of routine clinical cytogenomic testing in postnatal populations. Clinical assertions have been curated as described in Kaminsky et al. 2011.

GRCh38/hg38 12p13.33-13.32(chr12:121255-3968447)x1

Genes: ADIPOR2 (adiponectin receptor 2; plus strand), B4GALNT3 (beta-1,4-N-acetyl-galactosaminyltransferase 3; plus strand), CACNA1C (calcium voltage-gated channel subunit alpha1 C; plus strand), CACNA1C-AS1 (CACNA1C antisense RNA 1; minus strand), CACNA1C-AS2 (CACNA1C antisense RNA 2; minus strand) and 143 more. Cytogenetic location: 12p13.33-13.32.
Variant type: copy number loss.
Change: copy number 1 (one copy instead of two) of chr12:121,255-3,968,447 (3.85 Mb, GRCh38 coordinates, 1-based), cytogenetic band 12p13.33-13.32.
Identifiers: ClinVar variation 57044 (VCV000057044.1).